The following is an entry in ClinVar:

NM_003900.5(SQSTM1):c.127C>T (p.Pro43Ser)

Gene: SQSTM1 (sequestosome 1; plus strand). Cytogenetic location: 5q35.3.
Variant type: single nucleotide variant.
Coding change: c.127C>T on transcript NM_003900.5 (MANE Select); coding-DNA position 127, C replaced by T.
Protein change: p.Pro43Ser; replaces proline 43 with serine.
Molecular consequence: missense variant. On other transcripts: intron variant (2).
Genome position (GRCh38, 1-based): chr5:179,821,063, C>T. VCF-style: chr5-179821063-C-T. GRCh37 (hg19) VCF-style: chr5-179248063-C-T.
Other names: c.-47-1895C>T (NM_001142298.2, NM_001142299.2); short protein forms P43S.
Identifiers: ClinVar variation 2616870 (VCV002616870.5), dbSNP rs1757755654, ClinGen allele CA362442414.

ClinVar aggregate classification (germline): Uncertain significance. Review status: criteria provided, multiple submitters, no conflicts (2 of 4 stars). 2 submissions from 2 submitters: Uncertain significance (2). Last evaluated 2023-08-08.

Conditions:
Inborn genetic diseases. Identifiers: MedGen C0950123, MeSH D030342.
Frontotemporal dementia and/or amyotrophic lateral sclerosis 1 (FTDALS1). Also called: C9orf72 Frontotemporal Dementia and/or Amyotrophic Lateral Sclerosis; Frontotemporal dementia with motor neuron disease 1. Identifiers: Orphanet 275872, MedGen C5779877, MONDO:0007105, OMIM 105550.
Paget disease of bone 2, early-onset (PDB2). Also called: Paget disease of bone 2. Identifiers: MedGen C4085251, MONDO:0011183, OMIM 602080.

Submissions (2):

Ambry Genetics
Classification: Uncertain significance for Inborn genetic diseases. Last evaluated: 2023-08-08. Review status: criteria provided, single submitter. Criteria: Ambry Variant Classification Scheme 2023. Collection method: clinical testing. Allele origin: germline.

Labcorp Genetics (formerly Invitae), Labcorp
Classification: Uncertain significance for Paget disease of bone 2, early-onset; Frontotemporal dementia and/or amyotrophic lateral sclerosis 1. Last evaluated: 2023-05-02. Review status: criteria provided, single submitter. Criteria: Invitae Variant Classification Sherloc (09022015). Collection method: clinical testing. Allele origin: germline.
Comment: This sequence change replaces proline, which is neutral and non-polar, with serine, which is neutral and polar, at codon 43 of the SQSTM1 protein (p.Pro43Ser). This variant is not present in population databases (gnomAD no frequency). In summary, the available evidence is currently insufficient to determine the role of this variant in disease. Therefore, it has been classified as a Variant of Uncertain Significance. Advanced modeling of protein sequence and biophysical properties (such as structural, functional, and spatial information, amino acid conservation, physicochemical variation, residue mobility, and thermodynamic stability) performed at Invitae indicates that this missense variant is not expected to disrupt SQSTM1 protein function. This variant has not been reported in the literature in individuals affected with SQSTM1-related conditions.